The following is an entry in ClinVar:

ClinVar aggregate classification (germline): Uncertain significance. Review status: criteria provided, multiple submitters, no conflicts (2 of 4 stars). 2 submissions from 2 submitters: Uncertain significance (2). Last evaluated 2025-07-08.

Conditions:
KBG syndrome (KBGS). Also called: ANKRD11-Related KBG Syndrome. Identifiers: Orphanet 2332, MedGen C0220687, MONDO:0007846, OMIM 148050.

Submissions (2):

Labcorp Genetics (formerly Invitae), Labcorp
Classification: Uncertain significance for KBG syndrome. Last evaluated: 2025-07-08. Review status: criteria provided, single submitter. Criteria: Invitae Variant Classification Sherloc (09022015). Collection method: clinical testing. Allele origin: germline.
Comment: This variant, c.1912_1917del, results in the deletion of 2 amino acid(s) of the ANKRD11 protein (p.His638_Lys639del), but otherwise preserves the integrity of the reading frame. The frequency data for this variant in the population databases is considered unreliable, as metrics indicate poor data quality at this position in the gnomAD database. This variant has not been reported in the literature in individuals affected with ANKRD11-related conditions. ClinVar contains an entry for this variant (Variation ID: 1334361). Experimental studies and prediction algorithms are not available or were not evaluated, and the functional significance of this variant is currently unknown. In summary, the available evidence is currently insufficient to determine the role of this variant in disease. Therefore, it has been classified as a Variant of Uncertain Significance.

GeneDx
Classification: Uncertain significance. Last evaluated: 2022-01-05. Review status: criteria provided, single submitter. Criteria: GeneDx Variant Classification Process June 2021. Collection method: clinical testing. Allele origin: germline. Affected: yes.
Comment: Has not been previously published as pathogenic or benign to our knowledge; In-frame deletion of 2 amino acids in a non-repeat region; In silico analysis supports a deleterious effect on protein structure/function; Not observed at significant frequency in large population cohorts (gnomAD)

NM_013275.6(ANKRD11):c.1906CACAAA[1] (p.636HK[1])

Gene: ANKRD11 (ankyrin repeat domain 11; minus strand). Cytogenetic location: 16q24.3.
Variant type: Microsatellite.
Coding change: c.1906CACAAA[1] on transcript NM_013275.6 (MANE Select); one copy of the 6-base unit CACAAA starting at c.1906; the reference has two copies in a row; one copy, 6 bases deleted.
Protein change: p.636HK[1].
Molecular consequence: inframe deletion.
Genome position (GRCh38, 1-based): chr16:89,284,625-89,284,630, TTTGTG deleted on the plus strand (CACAAA on the coding strand, the reverse complement: ANKRD11 is on the minus strand); deleting any 6 consecutive bases within chr16:89,284,625-89,284,639 gives the same sequence; the position shown is the placement nearest the transcript's 3' end. VCF-style (leftmost placement, unchanged base first): chr16-89284624-TTTTGTG-T. GRCh37 (hg19) VCF-style: chr16-89351032-TTTTGTG-T.
Other names: c.1906CACAAA[1], p.636HK[1] (NM_001256182.2, NM_001256183.2).
Identifiers: ClinVar variation 1334361 (VCV001334361.3), dbSNP rs779289498, ClinGen allele CA8242663.